The following is an entry in ClinVar:

ClinVar aggregate classification (germline): Conflicting classifications of pathogenicity. Review status: criteria provided, conflicting classifications (1 of 4 stars). 10 submissions from 10 submitters: Uncertain significance (2); Benign (1); Likely benign (5). 2 of the submissions do not count toward it. Last evaluated 2026-01-28.

Conditions:
CDK4-related disorder. Also called: CDK4-related condition.
Familial melanoma. Also called: Hereditary melanoma; Hereditary cutaneous melanoma. Identifiers: Orphanet 618, MedGen C1512419, MONDO:0018961.
Hereditary cancer-predisposing syndrome. Also called: Hereditary neoplastic syndrome; Neoplastic Syndromes, Hereditary; Tumor predisposition; Hereditary Cancer Syndrome. Identifiers: Orphanet 140162, MedGen C0027672, MeSH D009386, MONDO:0015356.
Melanoma, cutaneous malignant, susceptibility to, 3. Also called: Cutaneous malignant melanoma 3. Identifiers: Orphanet 618, MedGen C1836892, MONDO:0012183, OMIM 609048.

Allele frequency attached by ClinVar (database versions not stated): gnomAD exomes 0.00006 and 0.00017; ESP Exome Variant Server 0.00015; ExAC 0.00017; 1000 Genomes Project 30x 0.00031; TOPMed 0.00034; gnomAD 0.00037 and 0.00038; 1000 Genomes Project 0.00040.
gnomAD v4.1: 152 of 1,614,038 alleles (0.0094%); highest among the groups gnomAD compares: African/African-American, 0.099%; no homozygotes.

Submissions (10):

Labcorp Genetics (formerly Invitae), Labcorp
Classification: Likely benign for Familial melanoma. Last evaluated: 2026-01-28. Review status: criteria provided, single submitter. Criteria: Invitae Variant Classification Sherloc (09022015). Collection method: clinical testing. Allele origin: germline.

Center for Genomic Medicine, Rigshospitalet, Copenhagen University Hospital
Classification: Uncertain significance. Last evaluated: 2025-03-04. Review status: criteria provided, single submitter. Criteria: ACMG Guidelines, 2015. Collection method: clinical testing. Allele origin: germline.

Myriad Genetics, Inc.
Classification: Uncertain significance for Melanoma, cutaneous malignant, susceptibility to, 3. Last evaluated: 2023-03-07. Review status: criteria provided, single submitter. Criteria: Myriad Autosomal Dominant, Autosomal Recessive and X-Linked Classification Criteria (2023). Collection method: clinical testing. Allele origin: unknown.
Comment: This variant is classified as a variant of uncertain significance as there is insufficient evidence to determine its impact on protein function and/or cancer risk.

Women's Health and Genetics/Laboratory Corporation of America, LabCorp
Classification: Likely benign. Last evaluated: 2022-12-08. Review status: criteria provided, single submitter. Criteria: LabCorp Variant Classification Summary - May 2015. Collection method: clinical testing. Allele origin: germline.

Sema4
Classification: Likely benign for Hereditary cancer-predisposing syndrome. Last evaluated: 2020-06-25. Review status: criteria provided, single submitter. Criteria: Sema4 Curation Guidelines. Collection method: curation. Allele origin: germline.

Quest Diagnostics Nichols Institute San Juan Capistrano
Classification: Benign. Last evaluated: 2019-08-02. Review status: criteria provided, single submitter. Criteria: Quest Diagnostics criteria. Collection method: clinical testing. Allele origin: germline.

GeneDx
Classification: Likely benign. Last evaluated: 2019-07-12. Review status: criteria provided, single submitter. Criteria: GeneDx Variant Classification Process June 2021. Collection method: clinical testing. Allele origin: germline. Affected: yes.
Comment: This variant is associated with the following publications: (PMID: 26252490)

Ambry Genetics
Classification: Likely benign for Hereditary cancer-predisposing syndrome. Last evaluated: 2018-04-18. Review status: criteria provided, single submitter. Criteria: Ambry Variant Classification Scheme 2023. Collection method: clinical testing. Allele origin: germline.

PreventionGenetics, part of Exact Sciences
Classification: Likely benign for CDK4-related condition. Last evaluated: 2023-07-20. Review status: no assertion criteria provided. Collection method: clinical testing. Allele origin: germline. Not counted in ClinVar's aggregate classification.
Comment: This variant is classified as likely benign based on ACMG/AMP sequence variant interpretation guidelines (Richards et al. 2015 PMID: 25741868, with internal and published modifications).

Counsyl
Classification: Uncertain significance for Melanoma, cutaneous malignant, susceptibility to, 3. Last evaluated: 2016-07-18. Review status: no assertion criteria provided. Collection method: clinical testing. Allele origin: unknown. Not counted in ClinVar's aggregate classification.

Literature cited by the submitters: PubMed 26252490 (cited by 3 submitters).

NM_000075.4(CDK4):c.764G>A (p.Arg255His)

Genes: CDK4 (cyclin dependent kinase 4; minus strand), TSPAN31 (tetraspanin 31; plus strand). Cytogenetic location: 12q14.1.
Variant type: single nucleotide variant.
Coding change: c.764G>A on transcript NM_000075.4 (MANE Select); coding-DNA position 764, G replaced by A.
Protein change: p.Arg255His; replaces arginine 255 with histidine.
Molecular consequence: missense variant. On other transcripts: 3 prime UTR variant (3).
Genome position (GRCh38, 1-based): chr12:57,749,237, C>T on the plus strand (G>A on the coding strand, the complement: CDK4 is on the minus strand). VCF-style: chr12-57749237-C-T. GRCh37 (hg19) VCF-style: chr12-58143020-C-T.
Other names: c.*1947C>T (NM_001330168.2, NM_001330169.2, NM_005981.5); short protein forms R255H.
Identifiers: ClinVar variation 184333 (VCV000184333.27), dbSNP rs144657355, ClinGen allele CA188640.
Genomic context (GRCh38, chr12:57,749,237, plus strand): 5'-AGTACCAGCAGCAGCTGTGCTCCCGACTCCTCCATCTCAGGTACCACCGACTGCACTGGG[C>T]GGGGCCCTCTGGGGGGAAAGGCTCCACGGGGCAGGGATACATCTCGAGGCCAGTCATCCT-3'
Protein context (NP_000066.1, residues 245-265): PRGAFPPRGP[Arg255His]PVQSVVPEME